The following is an entry in ClinVar:

ClinVar aggregate classification (germline): Uncertain significance (1 of 4 stars; one submission).

Conditions:
Developmental and epileptic encephalopathy, 1 (DEE1). Also called: INFANTILE SPASM SYNDROME, X-LINKED 1; X-linked infantile spasms; West's syndrome; Tonic spasms with clustering, arrest of psychomotor development and hypsarrhythmia on EEG; X-Linked Infantile Spasm Syndrome; OHTAHARA SYNDROME, X-LINKED. Identifiers: MedGen C3463992, MONDO:0010632, OMIM 308350. Disease mechanism: loss of function.
Intellectual disability, X-linked, with or without seizures, ARX-related. Also called: MENTAL RETARDATION, X-LINKED 29; MENTAL RETARDATION, X-LINKED 32; MENTAL RETARDATION, X-LINKED 33; MENTAL RETARDATION, X-LINKED 38; MENTAL RETARDATION, X-LINKED 43; MENTAL RETARDATION, X-LINKED 76. Identifiers: Orphanet 777, MedGen C0796244, MONDO:0010317, OMIM 300419.

Allele frequency attached by ClinVar (database versions not stated): TOPMed below 0.00001.
gnomAD v4.1: 4 of 1,204,051 alleles (0.00033%); highest among the groups gnomAD compares: Non-Finnish European, 0.00045%; no homozygotes.

Submission:

Labcorp Genetics (formerly Invitae), Labcorp
Classification: Uncertain significance for Developmental and epileptic encephalopathy, 1; Intellectual disability, X-linked, with or without seizures, ARX-related. Last evaluated: 2025-05-02. Review status: criteria provided, single submitter. Criteria: Invitae Variant Classification Sherloc (09022015). Collection method: clinical testing. Allele origin: germline.
Comment: This sequence change falls in intron 2 of the ARX gene. It does not directly change the encoded amino acid sequence of the ARX protein. It affects a nucleotide within the consensus splice site. The frequency data for this variant in the population databases is considered unreliable, as metrics indicate poor data quality at this position in the gnomAD database. This variant has not been reported in the literature in individuals affected with ARX-related conditions. ClinVar contains an entry for this variant (Variation ID: 2928586). Variants that disrupt the consensus splice site are a relatively common cause of aberrant splicing (PMID: 17576681, 9536098). Algorithms developed to predict the effect of sequence changes on RNA splicing suggest that this variant is not likely to affect RNA splicing. In summary, the available evidence is currently insufficient to determine the role of this variant in disease. Therefore, it has been classified as a Variant of Uncertain Significance.

Literature cited by the submitters: PubMed 17576681; PubMed 9536098.

NM_139058.3(ARX):c.1073+5G>A

Gene: ARX (aristaless related homeobox; minus strand). Cytogenetic location: Xp21.3.
Variant type: single nucleotide variant.
Coding change: c.1073+5G>A on transcript NM_139058.3 (MANE Select); 5 bases into the intron after coding-DNA position 1073, G replaced by A.
Molecular consequence: intron variant.
Genome position (GRCh38, 1-based): chrX:25,012,917, C>T on the plus strand (G>A on the coding strand, the complement: ARX is on the minus strand). VCF-style: chrX-25012917-C-T. GRCh37 (hg19) VCF-style: chrX-25031034-C-T.
Identifiers: ClinVar variation 2928586 (VCV002928586.3), dbSNP rs1354106426, ClinGen allele CA641364628.